The following is an entry in ClinVar:

ClinVar aggregate classification (germline): Likely pathogenic. Review status: criteria provided, multiple submitters, no conflicts (2 of 4 stars). 2 submissions from 2 submitters: Likely pathogenic (2). Last evaluated 2023-06-27.

Conditions:
Dilated cardiomyopathy 1G (CMD1G). Identifiers: Orphanet 154, MedGen C1858763, MONDO:0011400, OMIM 604145.
Autosomal recessive limb-girdle muscular dystrophy type 2J (LGMDR10). Also called: MUSCULAR DYSTROPHY, LIMB-GIRDLE, AUTOSOMAL RECESSIVE 10; Limb-girdle muscular dystrophy, type 2J. Identifiers: Orphanet 140922, MedGen C1837342, MONDO:0012127, OMIM 608807.

Submissions (2):

Labcorp Genetics (formerly Invitae), Labcorp
Classification: Likely pathogenic for Dilated cardiomyopathy 1G; Autosomal recessive limb-girdle muscular dystrophy type 2J. Last evaluated: 2023-06-27. Review status: criteria provided, single submitter. Criteria: Invitae Variant Classification Sherloc (09022015). Collection method: clinical testing. Allele origin: germline.
Comment: In summary, the currently available evidence indicates that the variant is pathogenic, but additional data are needed to prove that conclusively. Therefore, this variant has been classified as Likely Pathogenic. This variant is located in the M band of TTN (PMID: 25589632). Truncating variants in this region have been previously reported in individuals affected with autosomal recessive myopathy and muscular dystrophy (PMID: 18948003, 23975875, 24395473), but have not been definitively shown to cause cardiomyopathy (PMID: 25589632). ClinVar contains an entry for this variant (Variation ID: 1708475). This variant has not been reported in the literature in individuals affected with TTN-related conditions. This variant is not present in population databases (gnomAD no frequency). This sequence change creates a premature translational stop signal (p.Glu35591Aspfs*2) in the TTN gene. While this is not anticipated to result in nonsense mediated decay, it is expected to create a truncated TTN protein.

Laboratory of Functional Genomics, Research Centre for Medical Genetics
Classification: Likely pathogenic for Autosomal recessive limb-girdle muscular dystrophy type 2J. Last evaluated: 2022-09-27. Review status: criteria provided, single submitter. Criteria: ACMG Guidelines, 2015. Collection method: clinical testing. Allele origin: inherited, unknown. Inheritance: Autosomal recessive inheritance. Affected: yes and no. Observed: 3 heterozygotes, 1 homozygote.
Comment: WGS revealed the homozygous variant NM_001256850.1(TTN):c.101850_101857del. The variant is abscent in gnomAD database. Frameshift variants in TTN cause NMD by prediction of bioinformatical tools. Loss-of-function is a known mechanism of disease (gene has 2 026 reported pathogenic LOF variants). The 360 exon contains 21 pathogenic variants. The truncated region contains 43 pathogenic variants. In summary, the p.Glu33950AspfsTer2 meets ACMG criterias to be classified as likely pathogenic.

Literature cited by the submitters: PubMed 25589632 (cited by Labcorp Genetics (formerly Invitae), Labcorp); PubMed 18948003 (cited by Labcorp Genetics (formerly Invitae), Labcorp); PubMed 23975875 (cited by Labcorp Genetics (formerly Invitae), Labcorp); PubMed 24395473 (cited by Labcorp Genetics (formerly Invitae), Labcorp).

NM_001267550.2(TTN):c.106773_106780del (p.Glu35591fs)

Genes: TTN (titin; minus strand), TTN-AS1 (TTN antisense RNA 1; plus strand). Cytogenetic location: 2q31.2.
Variant type: Deletion.
Coding change: c.106773_106780del on transcript NM_001267550.2 (MANE Select); coding-DNA positions 106773 to 106780, 8 bases deleted (GGAAATCA; older notation c.106773_106780delGGAAATCA).
Protein change: p.Glu35591fs; shifts the reading frame from glutamic acid 35591.
Molecular consequence: frameshift variant.
Genome position (GRCh38, 1-based): chr2:178,528,971-178,528,978, TGATTTCC deleted on the plus strand (GGAAATCA on the coding strand, the reverse complement: TTN is on the minus strand); deleting any 8 consecutive bases within chr2:178,528,971-178,528,979 gives the same sequence; the c. name uses the placement nearest the transcript's 3' end. VCF-style (leftmost placement, unchanged base first): chr2-178528970-GTGATTTCC-G. GRCh37 (hg19) VCF-style: chr2-179393697-GTGATTTCC-G.
Other names: c.101850_101857del, p.Glu33950fs (NM_001256850.1); c.79578_79585del, p.Glu26526fs (NM_003319.4); c.99069_99076del, p.Glu33023fs (NM_133378.4); c.79953_79960del, p.Glu26651fs (NM_133432.3); c.80154_80161del, p.Glu26718fs (NM_133437.4); short protein forms E26526fs, E26651fs, E26718fs, E33023fs, E33950fs, E35591fs.
Identifiers: ClinVar variation 1708475 (VCV001708475.5), dbSNP rs2468306632, ClinGen allele CA2580064910.